The following is an entry in ClinVar:

NM_001369.3(DNAH5):c.13736C>T (p.Pro4579Leu)

Gene: DNAH5 (dynein axonemal heavy chain 5; minus strand). Cytogenetic location: 5p15.2.
Variant type: single nucleotide variant.
Coding change: c.13736C>T on transcript NM_001369.3 (MANE Select); coding-DNA position 13736, C replaced by T.
Protein change: p.Pro4579Leu; replaces proline 4579 with leucine.
Molecular consequence: missense variant.
Genome position (GRCh38, 1-based): chr5:13,692,123, G>A on the plus strand (C>T on the coding strand, the complement: DNAH5 is on the minus strand). VCF-style: chr5-13692123-G-A. GRCh37 (hg19) VCF-style: chr5-13692232-G-A.
Other names: short protein forms P4579L.
Identifiers: ClinVar variation 1357084 (VCV001357084.5), dbSNP rs774527322, ClinGen allele CA3201253.
Genomic context (GRCh38, chr5:13,692,123, plus strand): 5'-GCAATGTAGTTCAAGTCCGTTCGAACTGGCTTCTTATAGATGGGACAGGAGTAAAACCGA[G>A]GATCTCGTAAAGCTACAAAAAACATAAAAGAAAAGAACTTGGTGAAATTTCCACTTTAGA-3'
Protein context (NP_001360.1, residues 4569-4589): IYAENNTLRD[Pro4579Leu]RFYSCPIYKK

ClinVar aggregate classification (germline): Uncertain significance (1 of 4 stars; one submission).

Conditions:
Primary ciliary dyskinesia. Also called: Ciliary dyskinesia. Identifiers: Orphanet 244, MedGen C0008780, MONDO:0016575, HP:0012265.

Allele frequency attached by ClinVar (database versions not stated): gnomAD exomes below 0.00001 and 0.00001; ExAC 0.00001; TOPMed 0.00001.
gnomAD v4.1: 5 of 1,613,980 alleles (0.00031%); highest among the groups gnomAD compares: South Asian, 0.0011%; no homozygotes.

Submission:

Labcorp Genetics (formerly Invitae), Labcorp
Classification: Uncertain significance for Primary ciliary dyskinesia. Last evaluated: 2022-09-26. Review status: criteria provided, single submitter. Criteria: Invitae Variant Classification Sherloc (09022015). Collection method: clinical testing. Allele origin: germline.
Comment: This sequence change replaces proline, which is neutral and non-polar, with leucine, which is neutral and non-polar, at codon 4579 of the DNAH5 protein (p.Pro4579Leu). This variant is present in population databases (rs774527322, gnomAD 0.002%). This variant has not been reported in the literature in individuals affected with DNAH5-related conditions. ClinVar contains an entry for this variant (Variation ID: 1357084). Advanced modeling of protein sequence and biophysical properties (such as structural, functional, and spatial information, amino acid conservation, physicochemical variation, residue mobility, and thermodynamic stability) performed at Invitae indicates that this missense variant is not expected to disrupt DNAH5 protein function. In summary, the available evidence is currently insufficient to determine the role of this variant in disease. Therefore, it has been classified as a Variant of Uncertain Significance.